The following is an entry in ClinVar:

ClinVar aggregate classification (germline): Pathogenic/Likely pathogenic. Review status: criteria provided, multiple submitters, no conflicts (2 of 4 stars). 3 submissions from 3 submitters: Pathogenic (2); Likely pathogenic (1). Last evaluated 2025-09-15.

Conditions:
Combined malonic and methylmalonic acidemia. Identifiers: Orphanet 289504, MedGen C3280314, MONDO:0013661, OMIM 614265.

Submissions (3):

3billion
Classification: Pathogenic for Combined malonic and methylmalonic acidemia. Last evaluated: 2025-09-15. Review status: criteria provided, single submitter. Criteria: ACMG Guidelines, 2015. Collection method: clinical testing. Allele origin: germline. Affected: yes.
Comment: The variant is observed at an extremely low frequency in the gnomAD v4.1.0 dataset (total allele frequency: <0.001%). Predicted Consequence/Location: Frameshift: predicted to result in a loss or disruption of normal protein function through nonsense-mediated decay (NMD) or protein truncation. Multiple pathogenic variants are reported downstream of the variant. The variant has been reported at least twice as pathogenic with clinical assertions and evidence for the classification (ClinVar ID: VCV002014997 /3billion dataset). Therefore, this variant is classified as Pathogenic according to the recommendation of ACMG/AMP guideline.

Fulgent Genetics
Classification: Likely pathogenic for Combined malonic and methylmalonic acidemia. Last evaluated: 2024-03-19. Review status: criteria provided, single submitter. Criteria: ACMG Guidelines, 2015. Collection method: clinical testing. Allele origin: germline.

Labcorp Genetics (formerly Invitae), Labcorp
Classification: Pathogenic for Combined malonic and methylmalonic acidemia. Last evaluated: 2022-07-19. Review status: criteria provided, single submitter. Criteria: Invitae Variant Classification Sherloc (09022015). Collection method: clinical testing. Allele origin: germline.
Comment: This variant is present in population databases (no rsID available, gnomAD no frequency). For these reasons, this variant has been classified as Pathogenic. This variant has not been reported in the literature in individuals affected with ACSF3-related conditions. This sequence change creates a premature translational stop signal (p.Ser498Alafs*7) in the ACSF3 gene. It is expected to result in an absent or disrupted protein product. Loss-of-function variants in ACSF3 are known to be pathogenic (PMID: 21841779, 26827111).

Literature cited by the submitters: PubMed 21841779 (cited by Labcorp Genetics (formerly Invitae), Labcorp); PubMed 26827111 (cited by Labcorp Genetics (formerly Invitae), Labcorp).

NM_001243279.3(ACSF3):c.1491del (p.Ser498fs)

Gene: ACSF3 (acyl-CoA synthetase family member 3; plus strand). Cytogenetic location: 16q24.3.
Variant type: Deletion.
Coding change: c.1491del on transcript NM_001243279.3 (MANE Select); coding-DNA position 1491, one base deleted (C; older notation c.1491delC).
Protein change: p.Ser498fs; shifts the reading frame from serine 498.
Molecular consequence: frameshift variant. On other transcripts: non-coding transcript variant (4).
Genome position (GRCh38, 1-based): chr16:89,145,391, C deleted; the last of 4 consecutive C bases (chr16:89,145,388-89,145,391); deleting any one gives the same sequence. VCF-style (leftmost placement, unchanged base first): chr16-89145387-AC-A. GRCh37 (hg19) VCF-style: chr16-89211795-AC-A.
Other names: c.1491del, p.Ser498fs (NM_001127214.4, NM_174917.5); c.696del, p.Ser233fs (NM_001284316.2); short protein forms S498fs, S233fs.
Identifiers: ClinVar variation 2014997 (VCV002014997.7), dbSNP rs1217487621, ClinGen allele CA624225191.